The following is an entry in ClinVar:

ClinVar aggregate classification (germline): Uncertain significance (1 of 4 stars; one submission).

Conditions:
Nephronophthisis 15 (NPHP15). Identifiers: Orphanet 3156, MedGen C3541853, MONDO:0013917, OMIM 614845.

Allele frequency attached by ClinVar (database versions not stated): gnomAD exomes below 0.00001.
gnomAD v4.1: 2 of 1,613,556 alleles (0.00012%); highest among the groups gnomAD compares: African/African-American, 0.0013%; no homozygotes.

Submission:

Labcorp Genetics (formerly Invitae), Labcorp
Classification: Uncertain significance for Nephronophthisis 15. Last evaluated: 2024-02-26. Review status: criteria provided, single submitter. Criteria: Invitae Variant Classification Sherloc (09022015). Collection method: clinical testing. Allele origin: germline.
Comment: This sequence change replaces glutamic acid, which is acidic and polar, with aspartic acid, which is acidic and polar, at codon 838 of the CEP164 protein (p.Glu838Asp). This variant is present in population databases (no rsID available, gnomAD 0.007%). This variant has not been reported in the literature in individuals affected with CEP164-related conditions. ClinVar contains an entry for this variant (Variation ID: 1475627). Advanced modeling of protein sequence and biophysical properties (such as structural, functional, and spatial information, amino acid conservation, physicochemical variation, residue mobility, and thermodynamic stability) performed at Invitae indicates that this missense variant is not expected to disrupt CEP164 protein function with a negative predictive value of 80%. In summary, the available evidence is currently insufficient to determine the role of this variant in disease. Therefore, it has been classified as a Variant of Uncertain Significance.

NM_014956.5(CEP164):c.2514G>C (p.Glu838Asp)

Gene: CEP164 (centrosomal protein 164; plus strand). Cytogenetic location: 11q23.3.
Variant type: single nucleotide variant.
Coding change: c.2514G>C on transcript NM_014956.5 (MANE Select); coding-DNA position 2514, G replaced by C.
Protein change: p.Glu838Asp; replaces glutamic acid 838 with aspartic acid.
Molecular consequence: missense variant.
Genome position (GRCh38, 1-based): chr11:117,393,024, G>C. VCF-style: chr11-117393024-G-C. GRCh37 (hg19) VCF-style: chr11-117263740-G-C.
Other names: c.2523G>C, p.Glu841Asp (NM_001271933.2); short protein forms E841D, E838D.
Identifiers: ClinVar variation 1475627 (VCV001475627.8), dbSNP rs1395693893, ClinGen allele CA382726291.